The following is an entry in ClinVar:

NM_001145809.2(MYH14):c.4467C>T (p.Asp1489=)

Gene: MYH14 (myosin heavy chain 14; plus strand). Cytogenetic location: 19q13.33.
Variant type: single nucleotide variant.
Coding change: c.4467C>T on transcript NM_001145809.2 (MANE Select); coding-DNA position 4467, C replaced by T.
Protein change: p.Asp1489=; no amino-acid change (aspartic acid 1489 retained).
Molecular consequence: synonymous variant.
Genome position (GRCh38, 1-based): chr19:50,281,770, C>T. VCF-style: chr19-50281770-C-T. GRCh37 (hg19) VCF-style: chr19-50785027-C-T.
Other names: c.4368C>T, p.Asp1456= (NM_001077186.2); c.4344C>T, p.Asp1448= (NM_024729.4).
Identifiers: ClinVar variation 774739 (VCV000774739.30), dbSNP rs746379075, ClinGen allele CA9593517.

ClinVar aggregate classification (germline): Likely benign. Review status: criteria provided, multiple submitters, no conflicts (2 of 4 stars). 3 submissions from 3 submitters: Likely benign (3). Last evaluated 2026-01-05.

Allele frequency attached by ClinVar (database versions not stated): TOPMed 0.00003; gnomAD exomes 0.00005; ExAC 0.00007; gnomAD 0.00007.
gnomAD v4.1: 41 of 1,612,468 alleles (0.0025%); highest among the groups gnomAD compares: Admixed American, 0.013%; 1 homozygote.

Submissions (3):

Labcorp Genetics (formerly Invitae), Labcorp
Classification: Likely benign. Last evaluated: 2026-01-05. Review status: criteria provided, single submitter. Criteria: Invitae Variant Classification Sherloc (09022015). Collection method: clinical testing. Allele origin: germline.

Blueprint Genetics
Classification: Likely benign. Last evaluated: 2024-11-28. Review status: criteria provided, single submitter. Criteria: ACMG Guidelines, 2015. Collection method: clinical testing. Allele origin: germline.

CeGaT Center for Human Genetics Tuebingen
Classification: Likely benign. Last evaluated: 2024-01-01. Review status: criteria provided, single submitter. Criteria: CeGaT Center For Human Genetics Tuebingen Variant Classification Criteria Version 2. Collection method: clinical testing. Allele origin: germline. Affected: yes. Observed: 2 variant alleles.
Comment: MYH14: BP4, BP7